The following is an entry in ClinVar:

NM_003331.5(TYK2):c.1805A>G (p.Asn602Ser)

Gene: TYK2 (tyrosine kinase 2; minus strand). Cytogenetic location: 19p13.2.
Variant type: single nucleotide variant.
Coding change: c.1805A>G on transcript NM_003331.5 (MANE Select); coding-DNA position 1805, A replaced by G.
Protein change: p.Asn602Ser; replaces asparagine 602 with serine.
Molecular consequence: missense variant. On other transcripts: intron variant (1).
Genome position (GRCh38, 1-based): chr19:10,361,924, T>C on the plus strand (A>G on the coding strand, the complement: TYK2 is on the minus strand). VCF-style: chr19-10361924-T-C. GRCh37 (hg19) VCF-style: chr19-10472600-T-C.
Other names: c.1805A>G, p.Asn602Ser (NM_001385197.1, NM_001385198.1, NM_001385200.1 and 4 more transcripts); c.1607A>G, p.Asn536Ser (NM_001385201.1); c.1715A>G, p.Asn572Ser (NM_001385205.1); c.1679A>G, p.Asn560Ser (NM_001385206.1); c.1787A>G, p.Asn596Ser (NM_001385207.1); c.1773+154A>G (NM_001385199.1); short protein forms N560S, N536S, N602S, N572S, N596S.
Identifiers: ClinVar variation 1935256 (VCV001935256.2), dbSNP rs373737829, ClinGen allele CA9193286.
Genomic context (GRCh38, chr19:10,361,924, plus strand): 5'-TCCATCTTGCCCTCCTCAGGGTCCCCGCTGCCCTCCACTCGCAGGCGGCCCTCATACACG[T>C]TGGTCCTTGTGCCCTGGCCCAAGTGGGACAGCTGCGGGATCATGTGGCACAGAATACCGC-3'
Protein context (NP_003322.3, residues 592-612): LSHLGQGTRT[Asn602Ser]VYEGRLRVEG

ClinVar aggregate classification (germline): Uncertain significance (1 of 4 stars; one submission).

Conditions:
Immunodeficiency 35 (IMD35). Also called: TYK2 DEFICIENCY; HIES WITH ATYPICAL MYCOBACTERIOSIS, AUTOSOMAL RECESSIVE; HYPER-IgE SYNDROME WITH ATYPICAL MYCOBACTERIOSIS, AUTOSOMAL RECESSIVE; Susceptibility to infection due to TYK2 deficiency. Identifiers: Orphanet 331226, MedGen C1969086, MONDO:0012682, OMIM 611521.

Allele frequency attached by ClinVar (database versions not stated): ExAC 0.00001; gnomAD exomes 0.00001; gnomAD 0.00002; TOPMed 0.00003; ESP Exome Variant Server 0.00008.

Submission:

Labcorp Genetics (formerly Invitae), Labcorp
Classification: Uncertain significance for Immunodeficiency 35. Last evaluated: 2022-03-14. Review status: criteria provided, single submitter. Criteria: Invitae Variant Classification Sherloc (09022015). Collection method: clinical testing. Allele origin: germline.
Comment: This sequence change replaces asparagine, which is neutral and polar, with serine, which is neutral and polar, at codon 602 of the TYK2 protein (p.Asn602Ser). This variant is present in population databases (rs373737829, gnomAD 0.002%). This variant has not been reported in the literature in individuals affected with TYK2-related conditions. Algorithms developed to predict the effect of missense changes on protein structure and function are either unavailable or do not agree on the potential impact of this missense change (SIFT: "Not Available"; PolyPhen-2: "Probably Damaging"; Align-GVGD: "Not Available"). In summary, the available evidence is currently insufficient to determine the role of this variant in disease. Therefore, it has been classified as a Variant of Uncertain Significance.